The following is an entry in ClinVar:

ClinVar aggregate classification (germline): Benign. Review status: criteria provided, multiple submitters, no conflicts (2 of 4 stars). 4 submissions from 4 submitters: Benign (4). Last evaluated 2026-02-01.

Conditions:
Fleck corneal dystrophy (CFD). Also called: CORNEAL DYSTROPHY, FRANCOIS-NEETENS SPECKLED OR FLECKED. Identifiers: Orphanet 98970, MedGen C1562113, MONDO:0007376, OMIM 121850.

Allele frequency attached by ClinVar (database versions not stated): 1000 Genomes Project 30x 0.90928; 1000 Genomes Project 0.91094; TOPMed 0.92153; ESP Exome Variant Server 0.92165; gnomAD 0.92690 and 0.92886; ExAC 0.95955; gnomAD exomes 0.96446 and 0.97645.
gnomAD v4.1: 1,540,867 of 1,585,812 alleles (97%); highest among the groups gnomAD compares: Non-Finnish European, 98%; 750,095 homozygotes.

Submissions (4):

Labcorp Genetics (formerly Invitae), Labcorp
Classification: Benign. Last evaluated: 2026-02-01. Review status: criteria provided, single submitter. Criteria: Invitae Variant Classification Sherloc (09022015). Collection method: clinical testing. Allele origin: germline.

Genome-Nilou Lab
Classification: Benign for Fleck corneal dystrophy. Last evaluated: 2021-09-05. Review status: criteria provided, single submitter. Criteria: ACMG Guidelines, 2015. Collection method: clinical testing. Allele origin: germline. Affected: no.

Illumina Laboratory Services, Illumina
Classification: Benign for Fleck corneal dystrophy. Last evaluated: 2018-01-13. Review status: criteria provided, single submitter. Criteria: ICSL Variant Classification Criteria 13 December 2019. Collection method: clinical testing. Allele origin: germline.
Comment: This variant was observed in the ICSL laboratory as part of a predisposition screen in an ostensibly healthy population. It had not been previously curated by ICSL or reported in the Human Gene Mutation Database (HGMD: prior to June 1st, 2018), and was therefore a candidate for classification through an automated scoring system. Utilizing variant allele frequency, disease prevalence and penetrance estimates, and inheritance mode, an automated score was calculated to assess if this variant is too frequent to cause the disease. Based on the score and internal cut-off values, a variant classified as benign is not then subjected to further curation. The score for this variant resulted in a classification of benign for this disease.

Breakthrough Genomics
Classification: Benign. Review status: criteria provided, single submitter. Criteria: ACMG Guidelines, 2015. Collection method: not provided. Allele origin: germline. Inheritance: Autosomal dominant inheritance. Affected: yes.

NM_015040.4(PIKFYVE):c.5028-8G>A

Gene: PIKFYVE (phosphoinositide kinase, FYVE-type zinc finger containing; plus strand). Cytogenetic location: 2q34.
Variant type: single nucleotide variant.
Coding change: c.5028-8G>A on transcript NM_015040.4 (MANE Select); 8 bases into the intron before coding-DNA position 5028, G replaced by A.
Molecular consequence: intron variant.
Genome position (GRCh38, 1-based): chr2:208,345,103, G>A. VCF-style: chr2-208345103-G-A. GRCh37 (hg19) VCF-style: chr2-209209827-G-A.
Identifiers: ClinVar variation 333928 (VCV000333928.15), dbSNP rs2304544, ClinGen allele CA2080513.